The following is an entry in ClinVar:

NM_000138.5(FBN1):c.1096T>C (p.Trp366Arg)

Genes: FBN1 (fibrillin 1; minus strand), LOC113939944 (Sharpr-MPRA regulatory region 9539; plus strand). Cytogenetic location: 15q21.1.
Variant type: single nucleotide variant.
Coding change: c.1096T>C on transcript NM_000138.5 (MANE Select); coding-DNA position 1096, T replaced by C.
Protein change: p.Trp366Arg; replaces tryptophan 366 with arginine.
Molecular consequence: missense variant.
Genome position (GRCh38, 1-based): chr15:48,520,710, A>G on the plus strand (T>C on the coding strand, the complement: FBN1 is on the minus strand). VCF-style: chr15-48520710-A-G. GRCh37 (hg19) VCF-style: chr15-48812907-A-G.
Other names: short protein forms W366R.
Identifiers: ClinVar variation 1314179 (VCV001314179.7), dbSNP rs2141336038, ClinGen allele CA392347382.

ClinVar aggregate classification (germline): Conflicting classifications of pathogenicity. Review status: criteria provided, conflicting classifications (1 of 4 stars). 3 submissions from 3 submitters: Likely pathogenic (1); Uncertain significance (2). Last evaluated 2026-02-12.

Conditions:
Marfan syndrome (MFS). Also called: Marfan syndrome type 1; Marfan's syndrome; FBN1-Related Marfan Syndrome; MARFAN SYNDROME, TYPE I; Marfan syndrome, classic. Identifiers: Orphanet 284963, Orphanet 558, MedGen C0024796, MONDO:0007947, OMIM 154700.
Familial thoracic aortic aneurysm and aortic dissection (TAAD). Also called: Thoracic aortic aneurysms and dissections. Identifiers: Orphanet 91387, MedGen C4707243, MONDO:0019625.

Submissions (3):

Ambry Genetics
Classification: Uncertain significance for Familial thoracic aortic aneurysm and aortic dissection. Last evaluated: 2026-02-12. Review status: criteria provided, single submitter. Criteria: Ambry Variant Classification Scheme 2023. Collection method: clinical testing. Allele origin: germline.
Comment: The p.W366R variant (also known as c.1096T>C), located in coding exon 9 of the FBN1 gene, results from a T to C substitution at nucleotide position 1096. The tryptophan at codon 366 is replaced by arginine, an amino acid with dissimilar properties. This variant was reported in individual(s) with features consistent with thoracic aortic aneurysm/dissection (Ambry internal data). This amino acid position is highly conserved in available vertebrate species. In addition, this alteration is predicted to be deleterious by in silico analysis. Based on the available evidence, the clinical significance of this variant remains unclear.

Clinical Genetics Laboratory, Skane University Hospital Lund
Classification: Likely pathogenic for Marfan syndrome. Last evaluated: 2025-04-08. Review status: criteria provided, single submitter. Criteria: ACMG Guidelines, 2015. Collection method: clinical testing. Allele origin: germline. Inheritance: Autosomal dominant inheritance. Affected: yes.

GeneDx
Classification: Uncertain significance. Last evaluated: 2021-09-21. Review status: criteria provided, single submitter. Criteria: GeneDx Variant Classification Process June 2021. Collection method: clinical testing. Allele origin: germline. Affected: yes.
Comment: Has not been previously published as pathogenic or benign to our knowledge; Not observed in large population cohorts (Lek et al., 2016); In silico analysis supports that this missense variant has a deleterious effect on protein structure/function; Does not affect a cysteine residue within a calcium-binding EGF-like domain of the FBN1 gene; cysteine substitutions in the calcium-binding EGF-like domains represent the majority of pathogenic missense changes associated with FBN1-related disorders (Collod-Beroud et al., 2003).